The following is an entry in ClinVar:

ClinVar aggregate classification (germline): Uncertain significance. Review status: criteria provided, multiple submitters, no conflicts (2 of 4 stars). 2 submissions from 2 submitters: Uncertain significance (2). Last evaluated 2026-01-11.

Conditions:
Charcot-Marie-Tooth disease type 2. Also called: Charcot-Marie-Tooth type 2. Identifiers: Orphanet 64746, MedGen C0270914, MONDO:0018993.

Submissions (2):

Dasa
Classification: Uncertain significance. Last evaluated: 2026-01-11. Review status: criteria provided, single submitter. Criteria: DASA Assertion Criteria. Collection method: clinical testing. Allele origin: germline.
Comment: NM_014874.4(MFN2):c.1247A>T (p.Lys416Met) is a missense variant that results in the substitution of lysine with methionine. This variant is absent from population databases. Computational prediction algorithms are consistent with a deleterious effect. The currently available literature and clinical evidence are not sufficient to establish a definitive association between this variant and the reported condition. Therefore, this variant is classified as a variant of uncertain significance.

Labcorp Genetics (formerly Invitae), Labcorp
Classification: Uncertain significance for Charcot-Marie-Tooth disease type 2. Last evaluated: 2019-02-05. Review status: criteria provided, single submitter. Criteria: Invitae Variant Classification Sherloc (09022015). Collection method: clinical testing. Allele origin: germline.
Comment: This sequence change replaces lysine with methionine at codon 416 of the MFN2 protein (p.Lys416Met). The lysine residue is highly conserved and there is a moderate physicochemical difference between lysine and methionine. In summary, the available evidence is currently insufficient to determine the role of this variant in disease. Therefore, it has been classified as a Variant of Uncertain Significance. Algorithms developed to predict the effect of missense changes on protein structure and function (SIFT, PolyPhen-2, Align-GVGD) all suggest that this variant is likely to be disruptive, but these predictions have not been confirmed by published functional studies and their clinical significance is uncertain. This variant has not been reported in the literature in individuals with MFN2-related conditions. This variant is not present in population databases (ExAC no frequency).

NM_014874.4(MFN2):c.1247A>T (p.Lys416Met)

Gene: MFN2 (mitofusin 2; plus strand). Cytogenetic location: 1p36.22.
Variant type: single nucleotide variant.
Coding change: c.1247A>T on transcript NM_014874.4 (MANE Select); coding-DNA position 1247, A replaced by T.
Protein change: p.Lys416Met; replaces lysine 416 with methionine.
Molecular consequence: missense variant.
Genome position (GRCh38, 1-based): chr1:12,004,078, A>T. VCF-style: chr1-12004078-A-T. GRCh37 (hg19) VCF-style: chr1-12064135-A-T.
Other names: c.1247A>T, p.Lys416Met (NM_001127660.2); short protein forms K416M.
Identifiers: ClinVar variation 851446 (VCV000851446.11), dbSNP rs1639297626, ClinGen allele CA338445261.